The following is an entry in ClinVar:

ClinVar aggregate classification (germline): Uncertain significance (1 of 4 stars; one submission).

Conditions:
EPPK1-related disorder. Also called: EPPK1-related condition.

Submission:

PreventionGenetics, part of Exact Sciences
Classification: Uncertain significance for EPPK1-related condition. Last evaluated: 2025-12-10. Review status: criteria provided, single submitter. Criteria: ACMG Guidelines, 2015. Collection method: clinical testing. Allele origin: germline.
Comment: The EPPK1 c.418G>T variant is predicted to result in premature protein termination (p.Glu140*). To our knowledge, this variant has not been reported in the literature or in a large population database (gnomAD), indicating this variant is rare. Loss-of-function has not been established as a disease mechanism for this gene, and therefore the clinical significance of this variant is currently uncertain due to the absence of conclusive functional and genetic evidence.

NM_031308.4(EPPK1):c.418G>T (p.Glu140Ter)

Gene: EPPK1 (epiplakin 1; minus strand). Cytogenetic location: 8q24.3.
Variant type: single nucleotide variant.
Coding change: c.418G>T on transcript NM_031308.4 (MANE Select); coding-DNA position 418, G replaced by T.
Protein change: p.Glu140Ter; replaces glutamic acid 140 with a stop codon.
Molecular consequence: nonsense.
Genome position (GRCh38, 1-based): chr8:143,872,836, C>A on the plus strand (G>T on the coding strand, the complement: EPPK1 is on the minus strand). VCF-style: chr8-143872836-C-A. GRCh37 (hg19) VCF-style: chr8-144947004-C-A.
Other names: short protein forms E140*.
Identifiers: ClinVar variation 2636181 (VCV002636181.2), dbSNP rs2539028952, ClinGen allele CA372537582.